The following is an entry in ClinVar:

ClinVar aggregate classification (germline): Uncertain significance (1 of 4 stars; one submission).

Submission:

CeGaT Center for Human Genetics Tuebingen
Classification: Uncertain significance. Last evaluated: 2026-08-01. Review status: criteria provided, single submitter. Criteria: CeGaT Center For Human Genetics Tuebingen Variant Classification Criteria Version 2. Collection method: clinical testing. Allele origin: germline. Affected: yes. Observed: 1 variant allele.
Comment: ATP2B1: PP2, PP3

NM_001366521.1(ATP2B1):c.1672C>T (p.Arg558Trp)

Gene: ATP2B1 (ATPase plasma membrane Ca2+ transporting 1; minus strand). Cytogenetic location: 12q21.33.
Variant type: single nucleotide variant.
Coding change: c.1672C>T on transcript NM_001366521.1 (MANE Select); coding-DNA position 1672, C replaced by T.
Protein change: p.Arg558Trp; replaces arginine 558 with tryptophan.
Molecular consequence: missense variant. On other transcripts: non-coding transcript variant (3).
Genome position (GRCh38, 1-based): chr12:89,620,156, G>A on the plus strand (C>T on the coding strand, the complement: ATP2B1 is on the minus strand). VCF-style: chr12-89620156-G-A. GRCh37 (hg19) VCF-style: chr12-90013933-G-A.
Other names: c.1531C>T, p.Arg511Trp (NM_001413055.1, NM_001413051.1, NM_001413052.1); c.1417C>T, p.Arg473Trp (NM_001413056.1); c.1219C>T, p.Arg407Trp (NM_001413057.1); c.1111C>T, p.Arg371Trp (NM_001413058.1, NM_001413059.1, NM_001413060.1 and 2 more transcripts); c.1672C>T, p.Arg558Trp (NM_001682.3, NM_001001323.2, NM_001366520.1 and 12 more transcripts); c.1474C>T, p.Arg492Trp (NM_001366530.1, NM_001413053.1); c.1633C>T, p.Arg545Trp (NM_001413048.1); c.1429C>T, p.Arg477Trp (NM_001413054.1); short protein forms R371W, R407W, R473W, R477W, R492W, R511W, R545W, R558W.
Identifiers: ClinVar variation 5040383 (VCV005040383.1).